The following is an entry in ClinVar:

ClinVar aggregate classification (germline): Uncertain significance (1 of 4 stars; one submission).

Conditions:
MC3R-related disorder. Also called: MC3R-related condition.

Submission:

PreventionGenetics, part of Exact Sciences
Classification: Uncertain significance for MC3R-related condition. Last evaluated: 2026-07-20. Review status: criteria provided, single submitter. Criteria: ACMG Guidelines, 2015. Collection method: clinical testing. Allele origin: germline.
Comment: The MC3R c.544T>C variant is predicted to result in the amino acid substitution p.Tyr182His. To our knowledge, this variant has not been reported in the literature. This variant is reported in 0.0018% of alleles in individuals of European (Non-Finnish) descent in gnomAD. At this time, the clinical significance of this variant is uncertain due to the absence of conclusive functional and genetic evidence.

NM_019888.3(MC3R):c.544T>C (p.Tyr182His)

Gene: MC3R (melanocortin 3 receptor; plus strand). Cytogenetic location: 20q13.2.
Variant type: single nucleotide variant.
Coding change: c.544T>C on transcript NM_019888.3 (MANE Select); coding-DNA position 544, T replaced by C.
Protein change: p.Tyr182His; replaces tyrosine 182 with histidine.
Molecular consequence: missense variant.
Genome position (GRCh38, 1-based): chr20:56,249,387, T>C. VCF-style: chr20-56249387-T-C. GRCh37 (hg19) VCF-style: chr20-54824443-T-C.
Other names: short protein forms Y182H.
Identifiers: ClinVar variation 4986353 (VCV004986353.1).